The following is an entry in ClinVar:

NM_018706.7(DHTKD1):c.2192C>G (p.Thr731Ser)

Gene: DHTKD1 (dehydrogenase E1 and transketolase domain containing 1; plus strand). Cytogenetic location: 10p14.
Variant type: single nucleotide variant.
Coding change: c.2192C>G on transcript NM_018706.7 (MANE Select); coding-DNA position 2192, C replaced by G.
Protein change: p.Thr731Ser; replaces threonine 731 with serine.
Molecular consequence: missense variant.
Genome position (GRCh38, 1-based): chr10:12,112,937, C>G. VCF-style: chr10-12112937-C-G. GRCh37 (hg19) VCF-style: chr10-12154936-C-G.
Other names: short protein forms T731S.
Identifiers: ClinVar variation 4694967 (VCV004694967.1).

ClinVar aggregate classification (germline): Uncertain significance (1 of 4 stars; one submission).

Conditions:
2-aminoadipic 2-oxoadipic aciduria (AAKAD). Also called: Aminoadipic aciduria; ALPHA-AMINOADIPIC AND ALPHA-KETOADIPIC ACIDURIA. Identifiers: Orphanet 79154, MedGen C1859817, MONDO:0008774, OMIM 204750.

gnomAD v4.1: 3 of 1,612,662 alleles (0.00019%); highest among the groups gnomAD compares: Non-Finnish European, 0.00025%; no homozygotes.

Submission:

Labcorp Genetics (formerly Invitae), Labcorp
Classification: Uncertain significance for 2-aminoadipic 2-oxoadipic aciduria. Last evaluated: 2025-11-12. Review status: criteria provided, single submitter. Criteria: Invitae Variant Classification Sherloc (09022015). Collection method: clinical testing. Allele origin: germline.
Comment: This sequence change replaces threonine, which is neutral and polar, with serine, which is neutral and polar, at codon 731 of the DHTKD1 protein (p.Thr731Ser). This variant is not present in population databases (gnomAD no frequency). This variant has not been reported in the literature in individuals affected with DHTKD1-related conditions. An algorithm developed to predict the effect of missense changes on protein structure and function (PolyPhen-2) suggests that this variant is likely to be tolerated. In summary, the available evidence is currently insufficient to determine the role of this variant in disease. Therefore, it has been classified as a Variant of Uncertain Significance.